The following is an entry in ClinVar:

NM_015693.4(INTU):c.1228A>T (p.Thr410Ser)

Gene: INTU (inturned planar cell polarity protein; plus strand). Cytogenetic location: 4q28.1.
Variant type: single nucleotide variant.
Coding change: c.1228A>T on transcript NM_015693.4 (MANE Select); coding-DNA position 1228, A replaced by T.
Protein change: p.Thr410Ser; replaces threonine 410 with serine.
Molecular consequence: missense variant.
Genome position (GRCh38, 1-based): chr4:127,684,455, A>T. VCF-style: chr4-127684455-A-T. GRCh37 (hg19) VCF-style: chr4-128605610-A-T.
Other names: short protein forms T410S.
Identifiers: ClinVar variation 1940802 (VCV001940802.5), dbSNP rs767346560, ClinGen allele CA3075003.

ClinVar aggregate classification (germline): Uncertain significance (1 of 4 stars; one submission).

Allele frequency attached by ClinVar (database versions not stated): TOPMed 0.00002; gnomAD 0.00004; ExAC 0.00006.
gnomAD v4.1: 95 of 1,601,776 alleles (0.0059%); highest among the groups gnomAD compares: Non-Finnish European, 0.0053%; no homozygotes.

Submission:

Labcorp Genetics (formerly Invitae), Labcorp
Classification: Uncertain significance. Last evaluated: 2024-10-19. Review status: criteria provided, single submitter. Criteria: Invitae Variant Classification Sherloc (09022015). Collection method: clinical testing. Allele origin: germline.
Comment: This sequence change replaces threonine, which is neutral and polar, with serine, which is neutral and polar, at codon 410 of the INTU protein (p.Thr410Ser). This variant is present in population databases (rs767346560, gnomAD 0.03%). This variant has not been reported in the literature in individuals affected with INTU-related conditions. ClinVar contains an entry for this variant (Variation ID: 1940802). Invitae Evidence Modeling of protein sequence and biophysical properties (such as structural, functional, and spatial information, amino acid conservation, physicochemical variation, residue mobility, and thermodynamic stability) has been performed for this missense variant. However, the output from this modeling did not meet the statistical confidence thresholds required to predict the impact of this variant on INTU protein function. In summary, the available evidence is currently insufficient to determine the role of this variant in disease. Therefore, it has been classified as a Variant of Uncertain Significance.